The following is an entry in ClinVar:

ClinVar aggregate classification (germline): Benign/Likely benign. Review status: criteria provided, multiple submitters, no conflicts (2 of 4 stars). 5 submissions from 5 submitters: Benign (1); Likely benign (4). Last evaluated 2026-09-18.

Conditions:
MEN1-related disorder. Also called: MEN1-related condition.
Hereditary cancer-predisposing syndrome. Also called: Neoplastic Syndromes, Hereditary; Hereditary Cancer Syndrome; Tumor predisposition; Hereditary neoplastic syndrome. Identifiers: Orphanet 140162, MedGen C0027672, MeSH D009386, MONDO:0015356.
Multiple endocrine neoplasia, type 1 (MEN1). Also called: MEN I; Endocrine adenomatosis multiple; MEN 1; MEA I; WERMER SYNDROME. Identifiers: Orphanet 652, MedGen C0025267, MeSH D018761, MONDO:0007540, OMIM 131100.

Allele frequency attached by ClinVar (database versions not stated): gnomAD exomes below 0.00001; ExAC 0.00001.

Submissions (5):

PreventionGenetics, part of Exact Sciences
Classification: Likely benign for MEN1-related condition. Last evaluated: 2026-09-18. Review status: criteria provided, single submitter. Criteria: ACMG Guidelines, 2015. Collection method: clinical testing. Allele origin: germline.
Comment: This variant is classified as likely benign based on ACMG/AMP sequence variant interpretation guidelines (Richards et al. 2015 PMID: 25741868, with internal and published modifications).

CeGaT Center for Human Genetics Tuebingen
Classification: Likely benign. Last evaluated: 2026-01-01. Review status: criteria provided, single submitter. Criteria: CeGaT Center For Human Genetics Tuebingen Variant Classification Criteria Version 2. Collection method: clinical testing. Allele origin: germline. Affected: yes. Observed: 1 variant allele.
Comment: MEN1: BP4, BP7

Labcorp Genetics (formerly Invitae), Labcorp
Classification: Likely benign for Multiple endocrine neoplasia, type 1. Last evaluated: 2025-05-07. Review status: criteria provided, single submitter. Criteria: Invitae Variant Classification Sherloc (09022015). Collection method: clinical testing. Allele origin: germline.

Myriad Genetics, Inc.
Classification: Benign for Multiple endocrine neoplasia, type 1. Last evaluated: 2024-10-31. Review status: criteria provided, single submitter. Criteria: Myriad Autosomal Dominant, Autosomal Recessive and X-Linked Classification Criteria (2023). Collection method: clinical testing. Allele origin: unknown.
Comment: This variant is considered benign. This variant is a silent/synonymous amino acid change and it is not expected to impact splicing.

Ambry Genetics
Classification: Likely benign for Hereditary cancer-predisposing syndrome. Last evaluated: 2017-05-24. Review status: criteria provided, single submitter. Criteria: Ambry Variant Classification Scheme 2023. Collection method: clinical testing. Allele origin: germline.

NM_001370259.2(MEN1):c.282C>T (p.Thr94=)

Gene: MEN1 (menin 1; minus strand). Cytogenetic location: 11q13.1.
Variant type: single nucleotide variant.
Coding change: c.282C>T on transcript NM_001370259.2 (MANE Select); coding-DNA position 282, C replaced by T.
Protein change: p.Thr94=; no amino-acid change (threonine 94 retained).
Molecular consequence: synonymous variant.
Genome position (GRCh38, 1-based): chr11:64,809,828, G>A on the plus strand (C>T on the coding strand, the complement: MEN1 is on the minus strand). VCF-style: chr11-64809828-G-A. GRCh37 (hg19) VCF-style: chr11-64577300-G-A.
Other names: c.282C>T, p.Thr94= (NM_000244.4, NM_001370251.2, NM_001370260.2 and 9 more transcripts).
Identifiers: ClinVar variation 219669 (VCV000219669.22), dbSNP rs760442763, ClinGen allele CA061057.